The following is an entry in ClinVar:

NM_002087.4(GRN):c.1510C>G (p.Pro504Ala)

Gene: GRN (granulin precursor; plus strand). Cytogenetic location: 17q21.31.
Variant type: single nucleotide variant.
Coding change: c.1510C>G on transcript NM_002087.4 (MANE Select); coding-DNA position 1510, C replaced by G.
Protein change: p.Pro504Ala; replaces proline 504 with alanine.
Molecular consequence: missense variant.
Genome position (GRCh38, 1-based): chr17:44,352,437, C>G. VCF-style: chr17-44352437-C-G. GRCh37 (hg19) VCF-style: chr17-42429805-C-G.
Other names: short protein forms P504A.
Identifiers: ClinVar variation 951030 (VCV000951030.9), dbSNP rs1313083314, ClinGen allele CA399770189.

ClinVar aggregate classification (germline): Uncertain significance (1 of 4 stars; one submission).

Conditions:
Neuronal ceroid lipofuscinosis 11. Also called: GRN-Related Neuronal Ceroid-Lipofuscinosis. Identifiers: Orphanet 314629, Orphanet 79262, MedGen C3539123, MONDO:0013866, OMIM 614706.
GRN-related frontotemporal lobar degeneration with Tdp43 inclusions (FTD2). Also called: FRONTOTEMPORAL DEMENTIA WITH TDP43 INCLUSIONS, GRN-RELATED; GRN Frontotemporal Dementia; DEMENTIA, HEREDITARY DYSPHASIC DISINHIBITION; FRONTOTEMPORAL LOBAR DEGENERATION WITH UBIQUITIN-POSITIVE INCLUSIONS; FTLD-TDP, GRN-RELATED. Identifiers: Orphanet 100070, Orphanet 282, MedGen C1843792, MONDO:0011842, OMIM 607485. Disease mechanism: loss of function.

Allele frequency attached by ClinVar (database versions not stated): gnomAD exomes below 0.00001.

Submission:

Labcorp Genetics (formerly Invitae), Labcorp
Classification: Uncertain significance for Neuronal ceroid lipofuscinosis 11; GRN-related frontotemporal lobar degeneration with Tdp43 inclusions. Last evaluated: 2019-08-26. Review status: criteria provided, single submitter. Criteria: Invitae Variant Classification Sherloc (09022015). Collection method: clinical testing. Allele origin: germline.
Comment: This sequence change replaces proline with alanine at codon 504 of the GRN protein (p.Pro504Ala). The proline residue is moderately conserved and there is a small physicochemical difference between proline and alanine. In summary, the available evidence is currently insufficient to determine the role of this variant in disease. Therefore, it has been classified as a Variant of Uncertain Significance. Algorithms developed to predict the effect of missense changes on protein structure and function output the following: SIFT: "Tolerated"; PolyPhen-2: "Benign"; Align-GVGD: "Class C0". The alanine amino acid residue is found in multiple mammalian species, suggesting that this missense change does not adversely affect protein function. These predictions have not been confirmed by published functional studies and their clinical significance is uncertain. This variant has not been reported in the literature in individuals with GRN-related conditions. This variant is not present in population databases (ExAC no frequency).